The following is an entry in ClinVar:

NM_001130053.5(EEF1D):c.796G>A (p.Gly266Ser)

Gene: EEF1D (eukaryotic translation elongation factor 1 delta; minus strand). Cytogenetic location: 8q24.3.
Variant type: single nucleotide variant.
Coding change: c.796G>A on transcript NM_001130053.5 (MANE Select); coding-DNA position 796, G replaced by A.
Protein change: p.Gly266Ser; replaces glycine 266 with serine.
Molecular consequence: missense variant. On other transcripts: intron variant (8).
Genome position (GRCh38, 1-based): chr8:143,589,286, C>T on the plus strand (G>A on the coding strand, the complement: EEF1D is on the minus strand). VCF-style: chr8-143589286-C-T. GRCh37 (hg19) VCF-style: chr8-144671456-C-T.
Other names: c.796G>A, p.Gly266Ser (NM_032378.7); c.-4-2437G>A (NM_001317743.4, NM_001289950.4, NM_001130055.4); c.-7-2434G>A (NM_001130056.5, NM_001195203.4, NM_001960.7 and 2 more transcripts); short protein forms G266S.
Identifiers: ClinVar variation 3039615 (VCV003039615.12), dbSNP rs77499941, ClinGen allele CA4913775.

ClinVar aggregate classification (germline): Likely benign. Review status: criteria provided, single submitter (1 of 4 stars). 2 submissions from 2 submitters: Likely benign (1). 1 of the submissions does not count toward it. Last evaluated 2025-05-01.

Conditions:
EEF1D-related disorder. Also called: EEF1D-related condition.

Allele frequency attached by ClinVar (database versions not stated): ESP Exome Variant Server 0.00132; TOPMed 0.00162; gnomAD 0.00171; ExAC 0.00234; gnomAD exomes 0.00296; 1000 Genomes Project 30x 0.00016; 1000 Genomes Project 0.00040.
gnomAD v4.1: 4,460 of 1,586,648 alleles (0.28%); highest among the groups gnomAD compares: Non-Finnish European, 0.35%; 7 homozygotes.

Submissions (2):

CeGaT Center for Human Genetics Tuebingen
Classification: Likely benign. Last evaluated: 2025-05-01. Review status: criteria provided, single submitter. Criteria: CeGaT Center For Human Genetics Tuebingen Variant Classification Criteria Version 2. Collection method: clinical testing. Allele origin: germline. Affected: yes. Observed: 1 variant allele.
Comment: EEF1D: BS2

PreventionGenetics, part of Exact Sciences
Classification: Likely benign for EEF1D-related condition. Last evaluated: 2023-04-14. Review status: no assertion criteria provided. Collection method: clinical testing. Allele origin: germline. Not counted in ClinVar's aggregate classification.
Comment: This variant is classified as likely benign based on ACMG/AMP sequence variant interpretation guidelines (Richards et al. 2015 PMID: 25741868, with internal and published modifications).